The following is an entry in ClinVar:

ClinVar aggregate classification (germline): Conflicting classifications of pathogenicity. Review status: criteria provided, conflicting classifications (1 of 4 stars). 8 submissions from 8 submitters: Uncertain significance (1); Likely benign (6). 1 of the submissions does not count toward it. Last evaluated 2026-01-28.

Conditions:
Spastic paraplegia. Identifiers: MedGen C0037772, HP:0001258.
Charlevoix-Saguenay spastic ataxia (SACS). Also called: SPASTIC ATAXIA 6, AUTOSOMAL RECESSIVE; AUTOSOMAL RECESSIVE SPASTIC ATAXIA OF CHARLEVOIX-SAGUENAY; Spastic ataxia of Charlevoix-Saguenay. Identifiers: Orphanet 98, MedGen C1849140, MONDO:0010041, OMIM 270550.

Allele frequency attached by ClinVar (database versions not stated): ESP Exome Variant Server 0.00008; gnomAD 0.00011; TOPMed 0.00014; gnomAD exomes 0.00018; ExAC 0.00020.
gnomAD v4.1: 131 of 1,613,694 alleles (0.0081%); highest among the groups gnomAD compares: Middle Eastern, 0.099%; no homozygotes.

Submissions (8):

Labcorp Genetics (formerly Invitae), Labcorp
Classification: Likely benign for Spastic paraplegia. Last evaluated: 2026-01-28. Review status: criteria provided, single submitter. Criteria: Invitae Variant Classification Sherloc (09022015). Collection method: clinical testing. Allele origin: germline.

CeGaT Center for Human Genetics Tuebingen
Classification: Likely benign. Last evaluated: 2025-11-01. Review status: criteria provided, single submitter. Criteria: CeGaT Center For Human Genetics Tuebingen Variant Classification Criteria Version 2. Collection method: clinical testing. Allele origin: germline. Affected: yes. Observed: 1 variant allele.
Comment: SACS: BP4, BP7

Mayo Clinic Laboratories, Mayo Clinic
Classification: Likely benign. Last evaluated: 2025-10-10. Review status: criteria provided, single submitter. Criteria: ACMG Guidelines, 2015. Collection method: clinical testing. Allele origin: germline. Observed: 2 variant alleles.
Comment: BP4, BP7

Blueprint Genetics
Classification: Likely benign. Last evaluated: 2024-09-10. Review status: criteria provided, single submitter. Criteria: ACMG Guidelines, 2015. Collection method: clinical testing. Allele origin: germline.

Athena Diagnostics
Classification: Likely benign. Last evaluated: 2024-06-10. Review status: criteria provided, single submitter. Criteria: Athena Diagnostics Criteria. Collection method: clinical testing. Allele origin: unknown.

Genome-Nilou Lab
Classification: Likely benign for Charlevoix-Saguenay spastic ataxia. Last evaluated: 2021-09-05. Review status: criteria provided, single submitter. Criteria: ACMG Guidelines, 2015. Collection method: clinical testing. Allele origin: germline. Affected: no.

Illumina Laboratory Services, Illumina
Classification: Uncertain significance for Charlevoix-Saguenay spastic ataxia. Last evaluated: 2018-01-12. Review status: criteria provided, single submitter. Criteria: ICSL Variant Classification Criteria 13 December 2019. Collection method: clinical testing. Allele origin: germline.

Natera, Inc.
Classification: Likely benign for Charlevoix-Saguenay type spastic ataxia. Last evaluated: 2020-04-29. Review status: no assertion criteria provided. Collection method: clinical testing. Allele origin: germline. Not counted in ClinVar's aggregate classification.

NM_014363.6(SACS):c.5841C>T (p.Pro1947=)

Gene: SACS (sacsin molecular chaperone; minus strand). Cytogenetic location: 13q12.12.
Variant type: single nucleotide variant.
Coding change: c.5841C>T on transcript NM_014363.6 (MANE Select); coding-DNA position 5841, C replaced by T.
Protein change: p.Pro1947=; no amino-acid change (proline 1947 retained).
Molecular consequence: synonymous variant.
Genome position (GRCh38, 1-based): chr13:23,338,035, G>A on the plus strand (C>T on the coding strand, the complement: SACS is on the minus strand). VCF-style: chr13-23338035-G-A. GRCh37 (hg19) VCF-style: chr13-23912174-G-A.
Other names: p.Pro1947=; c.5400C>T, p.Pro1800= (NM_001278055.2).
Identifiers: ClinVar variation 311539 (VCV000311539.29), dbSNP rs145371235, ClinGen allele CA6911189.